The following is an entry in ClinVar:

NM_004370.6(COL12A1):c.4355T>C (p.Val1452Ala)

Gene: COL12A1 (collagen type XII alpha 1 chain; minus strand). Cytogenetic location: 6q13.
Variant type: single nucleotide variant.
Coding change: c.4355T>C on transcript NM_004370.6 (MANE Select); coding-DNA position 4355, T replaced by C.
Protein change: p.Val1452Ala; replaces valine 1452 with alanine.
Molecular consequence: missense variant.
Genome position (GRCh38, 1-based): chr6:75,147,737, A>G on the plus strand (T>C on the coding strand, the complement: COL12A1 is on the minus strand). VCF-style: chr6-75147737-A-G. GRCh37 (hg19) VCF-style: chr6-75857453-A-G.
Other names: c.863T>C, p.Val288Ala (NM_080645.3); short protein forms V288A, V1452A.
Identifiers: ClinVar variation 2067194 (VCV002067194.4), dbSNP rs2533372325, ClinGen allele CA364744647.

ClinVar aggregate classification (germline): Uncertain significance (1 of 4 stars; one submission).

Conditions:
Ullrich congenital muscular dystrophy 2 (UCMD2). Identifiers: Orphanet 75840, MedGen C4225314, MONDO:0014654, OMIM 616470.
Bethlem myopathy 2 (BTHLM2). Identifiers: Orphanet 536516, Orphanet 610, MedGen C4225313, MONDO:0034022, OMIM 616471.

Allele frequency attached by ClinVar (database versions not stated): gnomAD exomes below 0.00001.
gnomAD v4.1: 1 of 1,613,608 alleles (0.000062%); highest among the groups gnomAD compares: African/African-American, 0.0013%; no homozygotes.

Submission:

Labcorp Genetics (formerly Invitae), Labcorp
Classification: Uncertain significance for Bethlem myopathy 2; Ullrich congenital muscular dystrophy 2. Last evaluated: 2022-07-12. Review status: criteria provided, single submitter. Criteria: Invitae Variant Classification Sherloc (09022015). Collection method: clinical testing. Allele origin: germline.
Comment: In summary, the available evidence is currently insufficient to determine the role of this variant in disease. Therefore, it has been classified as a Variant of Uncertain Significance. Algorithms developed to predict the effect of missense changes on protein structure and function are either unavailable or do not agree on the potential impact of this missense change (SIFT: "Deleterious"; PolyPhen-2: "Probably Damaging"; Align-GVGD: "Class C0"). This variant has not been reported in the literature in individuals affected with COL12A1-related conditions. This variant is not present in population databases (gnomAD no frequency). This sequence change replaces valine, which is neutral and non-polar, with alanine, which is neutral and non-polar, at codon 1452 of the COL12A1 protein (p.Val1452Ala).